The following is an entry in ClinVar:

NM_001008537.3(NEXMIF):c.2920A>T (p.Ile974Phe)

Gene: NEXMIF (neurite extension and migration factor; minus strand). Cytogenetic location: Xq13.3.
Variant type: single nucleotide variant.
Coding change: c.2920A>T on transcript NM_001008537.3 (MANE Select); coding-DNA position 2920, A replaced by T.
Protein change: p.Ile974Phe; replaces isoleucine 974 with phenylalanine.
Molecular consequence: missense variant.
Genome position (GRCh38, 1-based): chrX:74,741,637, T>A on the plus strand (A>T on the coding strand, the complement: NEXMIF is on the minus strand). VCF-style: chrX-74741637-T-A. GRCh37 (hg19) VCF-style: chrX-73961472-T-A.
Other names: short protein forms I974F.
Identifiers: ClinVar variation 1409293 (VCV001409293.8), dbSNP rs748858323, ClinGen allele CA10454994.

ClinVar aggregate classification (germline): Uncertain significance. Review status: criteria provided, multiple submitters, no conflicts (2 of 4 stars). 2 submissions from 2 submitters: Uncertain significance (2). Last evaluated 2025-08-10.

Allele frequency attached by ClinVar (database versions not stated): ExAC 0.00001; gnomAD exomes 0.00001.
gnomAD v4.1: 3 of 1,211,276 alleles (0.00025%); highest among the groups gnomAD compares: Non-Finnish European, 0.00034%; no homozygotes.

Submissions (2):

Labcorp Genetics (formerly Invitae), Labcorp
Classification: Uncertain significance. Last evaluated: 2025-08-10. Review status: criteria provided, single submitter. Criteria: Invitae Variant Classification Sherloc (09022015). Collection method: clinical testing. Allele origin: germline.
Comment: This sequence change replaces isoleucine, which is neutral and non-polar, with phenylalanine, which is neutral and non-polar, at codon 974 of the NEXMIF protein (p.Ile974Phe). This variant is present in population databases (rs748858323, gnomAD 0.001%). This variant has not been reported in the literature in individuals affected with NEXMIF-related conditions. ClinVar contains an entry for this variant (Variation ID: 1409293). An algorithm developed to predict the effect of missense changes on protein structure and function (PolyPhen-2) suggests that this variant is likely to be tolerated. In summary, the available evidence is currently insufficient to determine the role of this variant in disease. Therefore, it has been classified as a Variant of Uncertain Significance.

Ambry Genetics
Classification: Uncertain significance. Last evaluated: 2018-06-20. Review status: criteria provided, single submitter. Criteria: Ambry Variant Classification Scheme 2023. Collection method: clinical testing. Allele origin: germline.
Comment: The p.I974F variant (also known as c.2920A>T), located in coding exon 2 of the KIAA2022 gene, results from an A to T substitution at nucleotide position 2920. The isoleucine at codon 974 is replaced by phenylalanine, an amino acid with highly similar properties. This amino acid position is poorly conserved in available vertebrate species. In addition, this alteration is predicted to be tolerated by in silico analysis. Since supporting evidence is limited at this time, the clinical significance of this alteration remains unclear.